The following is an entry in ClinVar:

NM_000540.3(RYR1):c.9587G>T (p.Arg3196Leu)

Gene: RYR1 (ryanodine receptor 1; plus strand). Cytogenetic location: 19q13.2.
Variant type: single nucleotide variant.
Coding change: c.9587G>T on transcript NM_000540.3 (MANE Select); coding-DNA position 9587, G replaced by T.
Protein change: p.Arg3196Leu; replaces arginine 3196 with leucine.
Molecular consequence: missense variant.
Genome position (GRCh38, 1-based): chr19:38,516,119, G>T. VCF-style: chr19-38516119-G-T. GRCh37 (hg19) VCF-style: chr19-39006759-G-T.
Other names: c.9587G>T, p.Arg3196Leu (NM_001042723.2); short protein forms R3196L.
Identifiers: ClinVar variation 3070674 (VCV003070674.1), dbSNP rs1064797240, ClinGen allele CA405690132.

ClinVar aggregate classification (germline): Uncertain significance (1 of 4 stars; one submission).

Conditions:
Malignant hyperthermia, susceptibility to, 1 (MHS1). Also called: Anesthesia related hyperthermia; Malignant hyperpyrexia; Fulminating hyperpyrexia; Pharmacogenic myopathy; RYR1-Related Malignant Hyperthermia Susceptibility; Malignant hyperthermia suceptibility 1. Identifiers: Orphanet 423, MedGen C2930980, MONDO:0007783, OMIM 145600.

Submission:

All of Us Research Program, National Institutes of Health
Classification: Uncertain significance for Malignant hyperthermia, susceptibility to, 1. Last evaluated: 2023-05-04. Review status: criteria provided, single submitter. Criteria: ACMG Guidelines, 2015. Collection method: clinical testing. Allele origin: germline. Inheritance: Autosomal dominant inheritance. Observed: 1 variant allele, 1 heterozygote.
Comment: This missense variant replaces arginine with leucine at codon 3196 of the RYR1 protein. Computational prediction suggests that this variant may not impact protein structure and function (internally defined REVEL score threshold <= 0.5, PMID: 27666373). To our knowledge, functional studies have not been reported for this variant. This variant has not been reported in individuals affected with RYR1-related disorders in the literature. This variant has not been identified in the general population by the Genome Aggregation Database (gnomAD). The available evidence is insufficient to determine the role of this variant in disease conclusively. Therefore, this variant is classified as a Variant of Uncertain Significance.

This study involves interpretation of variants in research participants for the purpose of population health screening. Participant phenotype was not available at the time of variant classification. Additional details can be found in publication PMID: 35346344, PMCID: PMC8962531